The following is an entry in ClinVar:

NM_025099.6(CTC1):c.2128G>A (p.Ala710Thr)

Gene: CTC1 (CST telomere replication complex component 1; minus strand). Cytogenetic location: 17p13.1.
Variant type: single nucleotide variant.
Coding change: c.2128G>A on transcript NM_025099.6 (MANE Select); coding-DNA position 2128, G replaced by A.
Protein change: p.Ala710Thr; replaces alanine 710 with threonine.
Molecular consequence: missense variant. On other transcripts: non-coding transcript variant (1).
Genome position (GRCh38, 1-based): chr17:8,232,160, C>T on the plus strand (G>A on the coding strand, the complement: CTC1 is on the minus strand). VCF-style: chr17-8232160-C-T. GRCh37 (hg19) VCF-style: chr17-8135478-C-T.
Other names: short protein forms A710T.
Identifiers: ClinVar variation 575948 (VCV000575948.11), dbSNP rs1567604032, ClinGen allele CA397978856.

ClinVar aggregate classification (germline): Uncertain significance. Review status: criteria provided, multiple submitters, no conflicts (2 of 4 stars). 4 submissions from 4 submitters: Uncertain significance (4). Last evaluated 2022-10-25.

Conditions:
Inborn genetic diseases. Identifiers: MedGen C0950123, MeSH D030342.
Dyskeratosis congenita. Identifiers: Orphanet 1775, MedGen C0265965, MONDO:0015780.
Cerebroretinal microangiopathy with calcifications and cysts 1 (CRMCC1). Identifiers: Orphanet 313838, MedGen C4552029, MONDO:0024564, OMIM 612199.

Allele frequency attached by ClinVar (database versions not stated): gnomAD exomes below 0.00001; TOPMed below 0.00001; gnomAD 0.00001.
gnomAD v4.1: 7 of 1,524,088 alleles (0.00046%); highest among the groups gnomAD compares: African/African-American, 0.0042%; no homozygotes.

Submissions (4):

Ambry Genetics
Classification: Uncertain significance for Inborn genetic diseases. Last evaluated: 2022-10-25. Review status: criteria provided, single submitter. Criteria: Ambry Variant Classification Scheme 2023. Collection method: clinical testing. Allele origin: germline.

Genome-Nilou Lab
Classification: Uncertain significance for Cerebroretinal microangiopathy with calcifications and cysts 1. Last evaluated: 2021-07-15. Review status: criteria provided, single submitter. Criteria: ACMG Guidelines, 2015. Collection method: clinical testing. Allele origin: germline. Affected: no.

Godley laboratory, The University of Chicago
Classification: Uncertain significance for Cerebroretinal microangiopathy with calcifications and cysts 1. Last evaluated: 2020-05-18. Review status: criteria provided, single submitter. Criteria: ACMG Guidelines, 2015. Collection method: clinical testing. Allele origin: germline. Inheritance: Autosomal dominant inheritance. Affected: yes.

Labcorp Genetics (formerly Invitae), Labcorp
Classification: Uncertain significance for Dyskeratosis congenita. Last evaluated: 2018-06-09. Review status: criteria provided, single submitter. Criteria: Invitae Variant Classification Sherloc (09022015). Collection method: clinical testing. Allele origin: germline.
Comment: This sequence change replaces alanine with threonine at codon 710 of the CTC1 protein (p.Ala710Thr). The alanine residue is moderately conserved and there is a small physicochemical difference between alanine and threonine. This variant is not present in population databases (ExAC no frequency). This variant has not been reported in the literature in individuals with CTC1-related disease. Algorithms developed to predict the effect of missense changes on protein structure and function output the following: SIFT: "Tolerated"; PolyPhen-2: "Benign"; Align-GVGD: "Class C0". The threonine amino acid residue is found in multiple mammalian species, suggesting that this missense change does not adversely affect protein function. These predictions have not been confirmed by published functional studies and their clinical significance is uncertain. In summary, the available evidence is currently insufficient to determine the role of this variant in disease. Therefore, it has been classified as a Variant of Uncertain Significance.